The following is an entry in ClinVar:

ClinVar aggregate classification (germline): Uncertain significance (1 of 4 stars; one submission).

gnomAD v4.1: 5 of 1,609,668 alleles (0.00031%); highest among the groups gnomAD compares: Non-Finnish European, 0.00042%; no homozygotes.

Submission:

Labcorp Genetics (formerly Invitae), Labcorp
Classification: Uncertain significance. Last evaluated: 2025-10-23. Review status: criteria provided, single submitter. Criteria: Invitae Variant Classification Sherloc (09022015). Collection method: clinical testing. Allele origin: germline.
Comment: This sequence change replaces lysine, which is basic and polar, with arginine, which is basic and polar, at codon 1219 of the KMT2A protein (p.Lys1219Arg). This variant is not present in population databases (gnomAD no frequency). This variant has not been reported in the literature in individuals affected with KMT2A-related conditions. Invitae Evidence Modeling of protein sequence and biophysical properties (such as structural, functional, and spatial information, amino acid conservation, physicochemical variation, residue mobility, and thermodynamic stability) indicates that this missense variant is not expected to disrupt KMT2A protein function with a negative predictive value of 95%. In summary, the available evidence is currently insufficient to determine the role of this variant in disease. Therefore, it has been classified as a Variant of Uncertain Significance.

NM_001197104.2(KMT2A):c.3656A>G (p.Lys1219Arg)

Gene: KMT2A (lysine methyltransferase 2A; plus strand). Cytogenetic location: 11q23.3.
Variant type: single nucleotide variant.
Coding change: c.3656A>G on transcript NM_001197104.2 (MANE Select); coding-DNA position 3656, A replaced by G.
Protein change: p.Lys1219Arg; replaces lysine 1219 with arginine.
Molecular consequence: missense variant.
Genome position (GRCh38, 1-based): chr11:118,481,736, A>G. VCF-style: chr11-118481736-A-G. GRCh37 (hg19) VCF-style: chr11-118352451-A-G.
Other names: c.3755A>G, p.Lys1252Arg (NM_001412597.1); c.3656A>G, p.Lys1219Arg (NM_005933.4); short protein forms K1219R, K1252R.
Identifiers: ClinVar variation 4691730 (VCV004691730.1).
Genomic context (GRCh38, chr11:118,481,736, plus strand): 5'-TCACTATAGACAGATGATGTTGTTGTGTTTTTCCCTCAGCTGTGAAAAAGAAAGAGAAAA[A>G]GTCTAAGACCAGTGAAAAGAAAGACAGCAAAGAGAGCAGTGTTGTGAAGAACGTGGTGGA-3'
Protein context (NP_001184033.1, residues 1209-1229): QAKAVKKKEK[Lys1219Arg]SKTSEKKDSK